The following is an entry in ClinVar:

ClinVar aggregate classification (germline): Pathogenic (1 of 4 stars; one submission).

Conditions:
Osteogenesis imperfecta type I (OI1). Also called: OI, TYPE I; OSTEOGENESIS IMPERFECTA TARDA; OSTEOGENESIS IMPERFECTA WITH BLUE SCLERAE; Osteogenesis imperfecta type 1; Lobstein disease; Classic Non-deforming Osteogenesis Imperfecta with Blue Sclerae. Identifiers: Orphanet 216796, Orphanet 666, MedGen C0023931, MONDO:0008146, OMIM 166200. Disease mechanism: loss of function.

Submission:

Labcorp Genetics (formerly Invitae), Labcorp
Classification: Pathogenic for Osteogenesis imperfecta type I. Last evaluated: 2023-08-27. Review status: criteria provided, single submitter. Criteria: Invitae Variant Classification Sherloc (09022015). Collection method: clinical testing. Allele origin: germline.
Comment: For these reasons, this variant has been classified as Pathogenic. This variant disrupts the triple helix domain of COL1A1. Glycine residues within the Gly-Xaa-Yaa repeats of the triple helix domain are required for the structure and stability of fibrillar collagens (PMID: 7695699, 8218237, 19344236). In COL1A1, variants affecting these glycine residues are significantly enriched in individuals with disease (PMID: 9016532, 17078022) compared to the general population (ExAC). Advanced modeling of protein sequence and biophysical properties (such as structural, functional, and spatial information, amino acid conservation, physicochemical variation, residue mobility, and thermodynamic stability) performed at Invitae indicates that this missense variant is expected to disrupt COL1A1 protein function. ClinVar contains an entry for this variant (Variation ID: 664182). This missense change has been observed in individual(s) with COL1A1-related conditions (Invitae). It has also been observed to segregate with disease in related individuals. This sequence change replaces glycine, which is neutral and non-polar, with valine, which is neutral and non-polar, at codon 260 of the COL1A1 protein (p.Gly260Val). This variant is not present in population databases (gnomAD no frequency).

Literature cited by the submitters: PubMed 7695699; PubMed 8218237; PubMed 19344236; PubMed 9016532; PubMed 17078022.

NM_000088.4(COL1A1):c.779G>T (p.Gly260Val)

Genes: COL1A1 (collagen type I alpha 1 chain; minus strand), LOC126862586 (CDK7 strongly-dependent group 2 enhancer GRCh37_chr17:48273702-48274901; plus strand). Cytogenetic location: 17q21.33.
Variant type: single nucleotide variant.
Coding change: c.779G>T on transcript NM_000088.4 (MANE Select); coding-DNA position 779, G replaced by T.
Protein change: p.Gly260Val; replaces glycine 260 with valine.
Molecular consequence: missense variant.
Genome position (GRCh38, 1-based): chr17:50,197,035, C>A on the plus strand (G>T on the coding strand, the complement: COL1A1 is on the minus strand). VCF-style: chr17-50197035-C-A. GRCh37 (hg19) VCF-style: chr17-48274396-C-A.
Other names: short protein forms G260V.
Identifiers: ClinVar variation 664182 (VCV000664182.11), dbSNP rs1598299070, ClinGen allele CA400223828.
Genomic context (GRCh38, chr17:50,197,035, plus strand): 5'-ACTTGGGGAGCTTAAATGACTCAAAGGTGACTCACTCTGTGTCCCTTCATTCCAGGGAGG[C>A]CAGCTGTTCCGGGCAATCCTCGAGCACCCTGGAGAGAGATGAAGAAGACAAGGAAGGGCC-3'
Protein context (NP_000079.2, residues 250-270): QGARGLPGTA[Gly260Val]LPGMKGHRGF